The following is an entry in ClinVar:

ClinVar aggregate classification (germline): Pathogenic. Review status: criteria provided, multiple submitters, no conflicts (2 of 4 stars). 7 submissions from 7 submitters: Pathogenic (5). 2 of the submissions do not count toward it. Last evaluated 2026-01-20.

Conditions:
DYNC2H1-related disorder. Also called: DYNC2H1-related disorders; DYNC2H1-related condition. Identifiers: MedGen CN378770.
Asphyxiating thoracic dystrophy 3. Also called: SHORT-RIB THORACIC DYSPLASIA 3 WITH OR WITHOUT POLYDACTYLY; POLYDACTYLY WITH NEONATAL CHONDRODYSTROPHY, TYPE I; SHORT-RIB THORACIC DYSPLASIA 3/6 WITH POLYDACTYLY, DIGENIC; Short rib polydactyly syndrome 2B; Saldino-Noonan Syndrome. Identifiers: Orphanet 474, Orphanet 93269, Orphanet 93270, Orphanet 93271, MedGen C0036069, MONDO:0013127, OMIM 613091.
Jeune thoracic dystrophy. Also called: Jeune syndrome; Infantile thoracic dystrophy; Thoracic pelvic phalangeal dystrophy; Jeune's syndrome; Chondroectodermal dysplasia-like syndrome; Short-rib thoracic dysplasia. Identifiers: Orphanet 474, MedGen C0265275, MONDO:0018770.

Allele frequency attached by ClinVar (database versions not stated): gnomAD 0.00001 and 0.00002; TOPMed 0.00001; 1000 Genomes Project 0.00020; 1000 Genomes Project 30x 0.00031.
gnomAD v4.1: 11 of 1,598,978 alleles (0.00069%); highest among the groups gnomAD compares: Admixed American, 0.0017%; no homozygotes.

Submissions (7):

Dasa
Classification: Pathogenic. Last evaluated: 2026-01-20. Review status: criteria provided, single submitter. Criteria: DASA Assertion Criteria. Collection method: clinical testing. Allele origin: germline.
Comment: NM_001377.3(DYNC2H1):c.10585C>T (p.Arg3529*) introduces a premature termination codon predicted to result in loss of normal protein function. Loss-of-function is an established mechanism of disease for this gene. This variant has been observed in affected individuals with related phenotype in a genotype context consistent with recessive disease (PMID: 23339108; PMID: 33777089). This variant has been recurrently observed in individuals with related phenotype (PMID: 23339108; PMID: 33777089). The variant is present at low frequency in population datasets. Based on the available data, this variant is classified as pathogenic.

Myriad Genetics, Inc.
Classification: Pathogenic for Asphyxiating thoracic dystrophy 3. Last evaluated: 2024-07-31. Review status: criteria provided, single submitter. Criteria: Myriad Autosomal Dominant, Autosomal Recessive and X-Linked Classification Criteria (2023). Collection method: clinical testing. Allele origin: unknown.
Comment: NM_001377.2(DYNC2H1):c.10585C>T(R3529*) is expected to be pathogenic in the context of DYNC2H1-related disorders. This variant is predicted to lead to an abnormal or absent protein product due to the creation of a premature termination codon in DYNC2H1, a gene where loss-of-function variants are known to be pathogenic. Please note: this variant was assessed in the context of healthy population screening.

Fulgent Genetics
Classification: Pathogenic for Asphyxiating thoracic dystrophy 3. Last evaluated: 2024-03-18. Review status: criteria provided, single submitter. Criteria: ACMG Guidelines, 2015. Collection method: clinical testing. Allele origin: germline.

Labcorp Genetics (formerly Invitae), Labcorp
Classification: Pathogenic for Jeune thoracic dystrophy. Last evaluated: 2023-11-06. Review status: criteria provided, single submitter. Criteria: Invitae Variant Classification Sherloc (09022015). Collection method: clinical testing. Allele origin: germline.
Comment: This sequence change creates a premature translational stop signal (p.Arg3536*) in the DYNC2H1 gene. It is expected to result in an absent or disrupted protein product. Loss-of-function variants in DYNC2H1 are known to be pathogenic (PMID: 23339108, 32753734, 33755199). This variant is present in population databases (rs562139820, gnomAD no frequency). This premature translational stop signal has been observed in individual(s) with asphyxiating thoracic dystrophy (PMID: 23339108). ClinVar contains an entry for this variant (Variation ID: 407155). For these reasons, this variant has been classified as Pathogenic.

Blueprint Genetics
Classification: Pathogenic for DYNC2H1-related disorders. Last evaluated: 2021-07-02. Review status: criteria provided, single submitter. Criteria: ACMG Guidelines, 2015. Collection method: clinical testing. Allele origin: germline. Affected: yes. Observed: 1 variant allele.

Dan Cohn Lab, University Of California Los Angeles
Classification: Pathogenic for Asphyxiating thoracic dystrophy 3. Last evaluated: 2017-06-01. Review status: no assertion criteria provided. Collection method: research. Allele origin: unknown. Affected: yes. Not counted in ClinVar's aggregate classification.

University of Washington Center for Mendelian Genomics, University of Washington
Classification: Likely pathogenic for Asphyxiating thoracic dystrophy 3. Review status: no assertion criteria provided. Collection method: research. Allele origin: inherited. Affected: yes. Not counted in ClinVar's aggregate classification.

Literature cited by the submitters: PubMed 23339108 (cited by Dasa and Labcorp Genetics (formerly Invitae), Labcorp); PubMed 33777089 (cited by Dasa); PubMed 32753734 (cited by Labcorp Genetics (formerly Invitae), Labcorp); PubMed 33755199 (cited by Labcorp Genetics (formerly Invitae), Labcorp); PubMed 29068549 (cited by Dan Cohn Lab, University Of California Los Angeles and University of Washington Center for Mendelian Genomics, University of Washington).

NM_001377.3(DYNC2H1):c.10585C>T (p.Arg3529Ter)

Gene: DYNC2H1 (dynein cytoplasmic 2 heavy chain 1; plus strand). Cytogenetic location: 11q22.3.
Variant type: single nucleotide variant.
Coding change: c.10585C>T on transcript NM_001377.3 (MANE Select); coding-DNA position 10585, C replaced by T.
Protein change: p.Arg3529Ter; replaces arginine 3529 with a stop codon.
Molecular consequence: nonsense.
Genome position (GRCh38, 1-based): chr11:103,257,731, C>T. VCF-style: chr11-103257731-C-T. GRCh37 (hg19) VCF-style: chr11-103128460-C-T.
Other names: c.10606C>T, p.Arg3536Ter (NM_001080463.2); short protein forms R3536*, R3529*.
Identifiers: ClinVar variation 407155 (VCV000407155.15), dbSNP rs562139820, ClinGen allele CA16612953.
Genomic context (GRCh38, chr11:103,257,731, plus strand): 5'-TTGTCCAAAATTAATAACATGTACCGTTTTAGTTTGGCTGCTTTTCTCCGACTTTTCCAA[C>T]GAGCTCTACAAAACAAACAGGTAAGCTGTTGGATACCCTGTACCAGAGACTGAATTACAG-3'